The following is an entry in ClinVar:

NM_015114.3(ANKLE2):c.2136G>A (p.Ala712=)

Gene: ANKLE2 (ankyrin repeat and LEM domain containing 2; minus strand). Cytogenetic location: 12q24.33.
Variant type: single nucleotide variant.
Coding change: c.2136G>A on transcript NM_015114.3 (MANE Select); coding-DNA position 2136, G replaced by A.
Protein change: p.Ala712=; no amino-acid change (alanine 712 retained).
Molecular consequence: synonymous variant.
Genome position (GRCh38, 1-based): chr12:132,730,026, C>T on the plus strand (G>A on the coding strand, the complement: ANKLE2 is on the minus strand). VCF-style: chr12-132730026-C-T. GRCh37 (hg19) VCF-style: chr12-133306612-C-T.
Identifiers: ClinVar variation 3061493 (VCV003061493.2), dbSNP rs762852125, ClinGen allele CA6895317.

ClinVar aggregate classification (germline): Likely benign (0 of 4 stars; one submission).

Conditions:
ANKLE2-related disorder. Also called: ANKLE2-related condition.

Allele frequency attached by ClinVar (database versions not stated): gnomAD exomes 0.00001.
gnomAD v4.1: 9 of 1,613,092 alleles (0.00056%); highest among the groups gnomAD compares: African/African-American, 0.004%; no homozygotes.

Submission:

PreventionGenetics, part of Exact Sciences
Classification: Likely benign for ANKLE2-related condition. Last evaluated: 2021-07-19. Review status: no assertion criteria provided. Collection method: clinical testing. Allele origin: germline.
Comment: This variant is classified as likely benign based on ACMG/AMP sequence variant interpretation guidelines (Richards et al. 2015 PMID: 25741868, with internal and published modifications).